The following is an entry in ClinVar:

ClinVar aggregate classification (germline): Likely pathogenic (1 of 4 stars; one submission).

Submission:

GeneDx
Classification: Likely pathogenic. Last evaluated: 2016-11-11. Review status: criteria provided, single submitter. Criteria: GeneDx Variant Classification (06012015). Collection method: clinical testing. Allele origin: germline. Affected: yes.
Comment: The c.3462-10C>G variant in the EHMT1 gene has not been reported previously as a pathogenic variant nor as a benign variant, to our knowledge. This variant reduces the quality of the splice acceptor site in intron 24, and is expected to cause abnormal gene splicing. The c.3462-10C>G variant was not observed in approximately 6,500 individuals of European and African American ancestry in the NHLBI Exome Sequencing Project, indicating it is not a common benign variant in these populations. We interpret c.3462-10C>G as a likely pathogenic variant.

NM_024757.5(EHMT1):c.3462-10C>G

Gene: EHMT1 (euchromatic histone lysine methyltransferase 1; plus strand). Cytogenetic location: 9q34.3.
Variant type: single nucleotide variant.
Coding change: c.3462-10C>G on transcript NM_024757.5 (MANE Select); 10 bases into the intron before coding-DNA position 3462, C replaced by G.
Molecular consequence: intron variant.
Genome position (GRCh38, 1-based): chr9:137,818,050, C>G. VCF-style: chr9-137818050-C-G. GRCh37 (hg19) VCF-style: chr9-140712502-C-G.
Other names: c.3441-10C>G (NM_001354263.2).
Identifiers: ClinVar variation 390608 (VCV000390608.2), dbSNP rs752178081, ClinGen allele CA16605504.